The following is an entry in ClinVar:

ClinVar aggregate classification (germline): Pathogenic (1 of 4 stars; one submission).

Conditions:
3-methylglutaconic aciduria, type VIIB (MGCA7B). Also called: CLPB Deficiency; 3-methylglutaconic aciduria, type VII, with cataracts, neurologic involvement and neutropenia; 3-methylglutaconic aciduria with cataracts, neurologic involvement and neutropenia. Identifiers: Orphanet 445038, MedGen C5676893, MONDO:0014561, OMIM 616271.

Submission:

Labcorp Genetics (formerly Invitae), Labcorp
Classification: Pathogenic for 3-methylglutaconic aciduria, type VIIB. Last evaluated: 2018-06-13. Review status: criteria provided, single submitter. Criteria: Invitae Variant Classification Sherloc (09022015). Collection method: clinical testing. Allele origin: germline.
Comment: Nucleotide substitutions within the consensus splice site are a relatively common cause of aberrant splicing (PMID: 17576681, 9536098). Algorithms developed to predict the effect of sequence changes on RNA splicing suggest that this variant may disrupt the consensus splice site, but this prediction has not been confirmed by published transcriptional studies. This variant is not present in population databases (ExAC no frequency). This sequence change falls in intron 11 of the CLPB gene. It does not directly change the encoded amino acid sequence of the CLPB protein, but it affects a nucleotide within the consensus splice site of the intron. For these reasons, this variant has been classified as Pathogenic.

Literature cited by the submitters: PubMed 17576681; PubMed 9536098.

NM_001258392.3(CLPB):c.1167+5G>T

Genes: CLPB (ClpB family mitochondrial disaggregase; minus strand), LOC126861258 (MED14-independent group 3 enhancer GRCh37_chr11:72012242-72013441; plus strand). Cytogenetic location: 11q13.4.
Variant type: single nucleotide variant.
Coding change: c.1167+5G>T on transcript NM_001258392.3 (MANE Select); 5 bases into the intron after coding-DNA position 1167, G replaced by T.
Molecular consequence: intron variant.
Genome position (GRCh38, 1-based): chr11:72,302,299, C>A on the plus strand (G>T on the coding strand, the complement: CLPB is on the minus strand). VCF-style: chr11-72302299-C-A. GRCh37 (hg19) VCF-style: chr11-72013343-C-A.
Other names: c.1080+5G>T (NM_001258393.3); c.1257+5G>T (NM_030813.6); c.1122+5G>T (NM_001258394.3).
Identifiers: ClinVar variation 574472 (VCV000574472.9), dbSNP rs1565424666, ClinGen allele CA475607915.
Genomic context (GRCh38, chr11:72,302,299, plus strand): 5'-GACCCCGGCAGTCATGCTGACAAGCCCTCCAAACCATGCTTCAATCAAGGACTGTCATCA[C>A]TCACCTCGTGTCGCTCCTGGAACTCGGACATGTCCAGCCTGATGAAGCCCTGTGTGGAAA-3'